The following is an entry in ClinVar:

NM_003079.5(SMARCE1):c.624_627del (p.Ser208fs)

Gene: SMARCE1 (SWI/SNF related BAF chromatin remodeling complex subunit E1; minus strand). Cytogenetic location: 17q21.2.
Variant type: Deletion.
Coding change: c.624_627del on transcript NM_003079.5 (MANE Select); coding-DNA positions 624 to 627, 4 bases deleted (TGAG; older notation c.624_627delTGAG).
Protein change: p.Ser208fs; shifts the reading frame from serine 208.
Molecular consequence: frameshift variant.
Genome position (GRCh38, 1-based): chr17:40,632,282-40,632,285, CTCA deleted on the plus strand (TGAG on the coding strand, the reverse complement: SMARCE1 is on the minus strand); deleting any 4 consecutive bases within chr17:40,632,282-40,632,287 gives the same sequence; the c. name uses the placement nearest the transcript's 3' end. VCF-style (leftmost placement, unchanged base first): chr17-40632281-TCTCA-T. GRCh37 (hg19) VCF-style: chr17-38788533-TCTCA-T.
Other names: short protein forms S208fs.
Identifiers: ClinVar variation 212264 (VCV000212264.17), dbSNP rs797045990, ClinGen allele CA207983.

ClinVar aggregate classification (germline): Pathogenic. Review status: criteria provided, multiple submitters, no conflicts (2 of 4 stars). 6 submissions from 6 submitters: Pathogenic (6). Last evaluated 2025-06-17.

Conditions:
SMARCE1-related disorder. Also called: SMARCE1-related condition.
Coffin-Siris syndrome 5 (CSS5). Identifiers: Orphanet 1465, MedGen C4310788, MONDO:0014838, OMIM 616938.
Familial meningioma. Also called: Meningioma, familial, susceptibility to. Identifiers: Orphanet 263662, MedGen C3551915, MONDO:0011789, OMIM 607174.

Submissions (6):

St. Jude Molecular Pathology, St. Jude Children's Research Hospital
Classification: Pathogenic for Coffin-Siris syndrome 5. Last evaluated: 2025-06-17. Review status: criteria provided, single submitter. Criteria: St. Jude Assertion Criteria 2020. Collection method: clinical testing. Allele origin: germline.
Comment: The SMARCE1 c.624_627del p.(Ser208ArgfsTer26) change deletes four nucleotides to cause a frameshift and the creation of a premature stop codon. This change is predicted to cause protein truncation or absence of protein due to nonsense-mediated decay. This variant has been reported in individuals with meningioma (PMID: 30421029, internal data). This variant is also absent in gnomAD v2.1.1. In summary, this variant meets criteria to be classified as pathogenic.

Labcorp Genetics (formerly Invitae), Labcorp
Classification: Pathogenic for Familial meningioma. Last evaluated: 2024-12-30. Review status: criteria provided, single submitter. Criteria: Invitae Variant Classification Sherloc (09022015). Collection method: clinical testing. Allele origin: germline.
Comment: This sequence change creates a premature translational stop signal (p.Ser208Argfs*26) in the SMARCE1 gene. It is expected to result in an absent or disrupted protein product. Loss-of-function variants in SMARCE1 are known to be pathogenic (PMID: 23377182). This variant is not present in population databases (gnomAD no frequency). This variant has not been reported in the literature in individuals affected with SMARCE1-related conditions. ClinVar contains an entry for this variant (Variation ID: 212264). Algorithms developed to predict the effect of sequence changes on RNA splicing suggest that this variant may disrupt the consensus splice site. For these reasons, this variant has been classified as Pathogenic.

Institute for Genomic Medicine (IGM) Clinical Laboratory, Nationwide Children's Hospital
Classification: Pathogenic for Familial meningioma. Last evaluated: 2024-08-26. Review status: criteria provided, single submitter. Criteria: ACMG Guidelines, 2015. Collection method: clinical testing. Allele origin: germline.
Comment: This variant is predicted to result in loss of function through nonsense-mediated decay of the encoded transcript or premature truncation of the encoded protein in a gene in which loss of function is a known mechanism of disease (ACMG/AMP: PVS1). This variant has been reported at an elevated frequency in affected individuals/in multiple affected individuals in the literature (ACMG/AMP: PS4_Supporting). This variant is absent from or present at an exceedingly low frequency in gnomAD, a large-scale control population database (ACMG/AMP: PM2).

Blueprint Genetics
Classification: Pathogenic for SMARCE1-related disorders. Last evaluated: 2024-03-01. Review status: criteria provided, single submitter. Criteria: ACMG Guidelines, 2015. Collection method: clinical testing. Allele origin: germline. Affected: yes. Observed: 1 variant allele.

GeneDx
Classification: Pathogenic. Last evaluated: 2023-05-26. Review status: criteria provided, single submitter. Criteria: GeneDx Variant Classification Process June 2021. Collection method: clinical testing. Allele origin: germline. Affected: yes.
Comment: Frameshift variant predicted to result in protein truncation or nonsense mediated decay in a gene for which loss-of-function is a known mechanism of disease; Not observed at significant frequency in large population cohorts (gnomAD); This variant is associated with the following publications: (PMID: 27891692, 25143307, 28474749, 30421029, 35918906)

Genetic Services Laboratory, University of Chicago
Classification: Pathogenic for Meningioma, familial, susceptibility to. Last evaluated: 2015-04-07. Review status: criteria provided, single submitter. Criteria: ACMG Guidelines, 2015. Collection method: clinical testing. Allele origin: germline. Affected: yes.

Literature cited by the submitters: PubMed 23377182 (cited by Labcorp Genetics (formerly Invitae), Labcorp).